The following is an entry in ClinVar:

NM_004183.4(BEST1):c.481+1G>T

Gene: BEST1 (bestrophin 1; plus strand). Cytogenetic location: 11q12.3.
Variant type: single nucleotide variant.
Coding change: c.481+1G>T on transcript NM_004183.4 (MANE Select); the canonical splice donor site of the intron after coding-DNA position 481, G replaced by T.
Molecular consequence: splice donor variant.
Genome position (GRCh38, 1-based): chr11:61,955,952, G>T. VCF-style: chr11-61955952-G-T. GRCh37 (hg19) VCF-style: chr11-61723424-G-T.
Other names: c.481+1G>T (NM_001363592.2, NM_001440571.1, NM_001440572.1 and 1 more transcripts); c.301+1G>T (NM_001139443.3, NM_001300787.2, NM_001440574.1 and 3 more transcripts); c.-695+1G>T (NM_001363593.3); c.163+1G>T (NM_001363591.3).
Identifiers: ClinVar variation 4292577 (VCV004292577.1).

ClinVar aggregate classification (germline): Pathogenic (1 of 4 stars; one submission).

Conditions:
Autosomal recessive bestrophinopathy. Also called: Autosomal Recessive Bestrophinopathy (ARB). Identifiers: Orphanet 139455, MedGen C3888198, MONDO:0012733, OMIM 611809.

gnomAD v4.1: 7 of 1,545,958 alleles (0.00045%); highest among the groups gnomAD compares: Non-Finnish European, 0.00052%; no homozygotes.

Submission:

3billion
Classification: Pathogenic for Autosomal recessive bestrophinopathy. Last evaluated: 2024-11-22. Review status: criteria provided, single submitter. Criteria: ACMG Guidelines, 2015. Collection method: clinical testing. Allele origin: germline. Affected: yes.
Comment: The variant is observed at an extremely low frequency in the gnomAD v4.1.0 dataset (total allele frequency: <0.001%). Predicted Consequence/Location: Canonical splice site: predicted to alter splicing and result in a loss or disruption of normal protein function. Multiple pathogenic loss-of-function variants are reported downstream of the variant. In silico tools predict the variant to alter splicing and produce an abnormal transcript [SpliceAI: 1.00 (spliceogenicity >=0.2, non-spliceogenicity <0.1)]. The variant has been reported to be associated with BEST1 related disorder (PMID: 31455904). Therefore, this variant is classified as Pathogenic according to the recommendation of ACMG/AMP guideline.

Literature cited by the submitters: PubMed 31455904.